The following is an entry in ClinVar:

NM_002880.4(RAF1):c.370G>A (p.Glu124Lys)

Gene: RAF1 (Raf-1 proto-oncogene, serine/threonine kinase; minus strand). Cytogenetic location: 3p25.2.
Variant type: single nucleotide variant.
Coding change: c.370G>A on transcript NM_002880.4 (MANE Select); coding-DNA position 370, G replaced by A.
Protein change: p.Glu124Lys; replaces glutamic acid 124 with lysine.
Molecular consequence: missense variant. On other transcripts: non-coding transcript variant (3).
Genome position (GRCh38, 1-based): chr3:12,609,286, C>T on the plus strand (G>A on the coding strand, the complement: RAF1 is on the minus strand). VCF-style: chr3-12609286-C-T. GRCh37 (hg19) VCF-style: chr3-12650785-C-T.
Other names: c.370G>A, p.Glu124Lys (NM_001354689.3, NM_001354690.3, NM_001354693.3); c.127G>A, p.Glu43Lys (NM_001354691.3, NM_001354692.3, NM_001354694.3 and 1 more transcripts); short protein forms E124K, E43K.
Identifiers: ClinVar variation 411095 (VCV000411095.8), dbSNP rs1060503153, ClinGen allele CA16611164.

ClinVar aggregate classification (germline): Uncertain significance (1 of 4 stars; one submission).

Conditions:
RASopathy. Also called: rasopathies; Noonan spectrum disorder. Identifiers: Orphanet 536391, MedGen C5555857, MONDO:0021060.

Allele frequency attached by ClinVar (database versions not stated): gnomAD exomes below 0.00001.
gnomAD v4.1: 1 of 1,613,836 alleles (0.000062%); highest among the groups gnomAD compares: Non-Finnish European, 0.000085%; no homozygotes.

Submission:

Labcorp Genetics (formerly Invitae), Labcorp
Classification: Uncertain significance for RASopathy. Last evaluated: 2016-09-20. Review status: criteria provided, single submitter. Criteria: Invitae Variant Classification Sherloc (09022015). Collection method: clinical testing. Allele origin: germline.
Comment: In summary, this variant is a novel missense change with uncertain impact on protein function. It has been classified as a Variant of Uncertain Significance. Algorithms developed to predict the effect of missense changes on protein structure and function do not agree on the potential impact of this missense change (SIFT: "Tolerated"; PolyPhen-2: "Possibly Damaging"; Align-GVGD: "Class C0"). This variant is not present in population databases (ExAC no frequency) and has not been reported in the literature in individuals with a RAF1-related disease. This sequence change replaces glutamic acid with lysine at codon 124 of the RAF1 protein (p.Glu124Lys). The glutamic acid residue is moderately conserved and there is a small physicochemical difference between glutamic acid and lysine.